The following is an entry in ClinVar:

ClinVar aggregate classification (germline): Uncertain significance (1 of 4 stars; one submission).

Submission:

Labcorp Genetics (formerly Invitae), Labcorp
Classification: Uncertain significance. Last evaluated: 2022-11-01. Review status: criteria provided, single submitter. Criteria: Invitae Variant Classification Sherloc (09022015). Collection method: clinical testing. Allele origin: germline.
Comment: This sequence change replaces serine, which is neutral and polar, with asparagine, which is neutral and polar, at codon 292 of the TUBGCP6 protein (p.Ser292Asn). This variant is not present in population databases (gnomAD no frequency). This variant has not been reported in the literature in individuals affected with TUBGCP6-related conditions. ClinVar contains an entry for this variant (Variation ID: 1373457). Algorithms developed to predict the effect of missense changes on protein structure and function are either unavailable or do not agree on the potential impact of this missense change (SIFT: "Tolerated"; PolyPhen-2: "Probably Damaging"; Align-GVGD: "Class C0"). In summary, the available evidence is currently insufficient to determine the role of this variant in disease. Therefore, it has been classified as a Variant of Uncertain Significance.

NM_020461.4(TUBGCP6):c.875G>A (p.Ser292Asn)

Gene: TUBGCP6 (tubulin gamma complex component 6; minus strand). Cytogenetic location: 22q13.33.
Variant type: single nucleotide variant.
Coding change: c.875G>A on transcript NM_020461.4 (MANE Select); coding-DNA position 875, G replaced by A.
Protein change: p.Ser292Asn; replaces serine 292 with asparagine.
Molecular consequence: missense variant.
Genome position (GRCh38, 1-based): chr22:50,240,234, C>T on the plus strand (G>A on the coding strand, the complement: TUBGCP6 is on the minus strand). VCF-style: chr22-50240234-C-T. GRCh37 (hg19) VCF-style: chr22-50678663-C-T.
Other names: short protein forms S292N.
Identifiers: ClinVar variation 1373457 (VCV001373457.6), dbSNP rs2147213661, ClinGen allele CA412111978.
Genomic context (GRCh38, chr22:50,240,234, plus strand): 5'-CTGCATGCCAAGGCAAAGAAGGGCACACACCAGCCAACTCGCTCCCAGCACCTCCGCTTG[C>T]TGGCCTCATAGGTAAGTGCGGCTTCCCACAGGTCCACGTCTGGGGTCACGCTGGGCTCAG-3'
Protein context (NP_065194.3, residues 282-302): LWEAALTYEA[Ser292Asn]KRRCWERVGC